The following is an entry in ClinVar:

NM_001031689.3(PLAA):c.557C>T (p.Thr186Ile)

Gene: PLAA (phospholipase A2 activating protein; minus strand). Cytogenetic location: 9p21.2.
Variant type: single nucleotide variant.
Coding change: c.557C>T on transcript NM_001031689.3 (MANE Select); coding-DNA position 557, C replaced by T.
Protein change: p.Thr186Ile; replaces threonine 186 with isoleucine.
Molecular consequence: missense variant.
Genome position (GRCh38, 1-based): chr9:26,928,108, G>A on the plus strand (C>T on the coding strand, the complement: PLAA is on the minus strand). VCF-style: chr9-26928108-G-A. GRCh37 (hg19) VCF-style: chr9-26928106-G-A.
Other names: c.557C>T, p.Thr186Ile (NM_001321546.2); c.557C>T (NM_001031689.2); short protein forms T186I.
Identifiers: ClinVar variation 1901148 (VCV001901148.3), dbSNP rs1226219431, ClinGen allele CA373133836.
Genomic context (GRCh38, chr9:26,928,108, plus strand): 5'-CTGAGCAAATAAAAAGCAATGATATTATAAAACTTGTCTACCCTGATCTTACCTGAAAAA[G>A]TCCTCTCACATCTTCCAGCCTTCCACAGTTTAACAGTCTTGTCTGCTGATCCAGTCAACA-3'
Protein context (NP_001026859.1, residues 176-196): KLWKAGRCER[Thr186Ile]FSGHEDCVRG

ClinVar aggregate classification (germline): Uncertain significance. Review status: criteria provided, multiple submitters, no conflicts (2 of 4 stars). 2 submissions from 2 submitters: Uncertain significance (2). Last evaluated 2025-06-09.

Conditions:
Inborn genetic diseases. Identifiers: MedGen C0950123, MeSH D030342.

Allele frequency attached by ClinVar (database versions not stated): gnomAD exomes 0.00001; TOPMed below 0.00001.
gnomAD v4.1: 4 of 1,613,186 alleles (0.00025%); highest among the groups gnomAD compares: Admixed American, 0.0067%; no homozygotes.

Submissions (2):

Ambry Genetics
Classification: Uncertain significance for Inborn genetic diseases. Last evaluated: 2025-06-09. Review status: criteria provided, single submitter. Criteria: Ambry Variant Classification Scheme 2023. Collection method: clinical testing. Allele origin: germline.

Labcorp Genetics (formerly Invitae), Labcorp
Classification: Uncertain significance. Last evaluated: 2022-07-04. Review status: criteria provided, single submitter. Criteria: Invitae Variant Classification Sherloc (09022015). Collection method: clinical testing. Allele origin: germline.
Comment: This sequence change replaces threonine, which is neutral and polar, with isoleucine, which is neutral and non-polar, at codon 186 of the PLAA protein (p.Thr186Ile). This variant is present in population databases (no rsID available, gnomAD 0.009%). This variant has not been reported in the literature in individuals affected with PLAA-related conditions. Algorithms developed to predict the effect of missense changes on protein structure and function (SIFT, PolyPhen-2, Align-GVGD) all suggest that this variant is likely to be tolerated. In summary, the available evidence is currently insufficient to determine the role of this variant in disease. Therefore, it has been classified as a Variant of Uncertain Significance.